The following is an entry in ClinVar:

NM_001148.6(ANK2):c.7103A>G (p.Glu2368Gly)

Genes: ANK2 (ankyrin 2; plus strand), LOC126807137 (CDK7 strongly-dependent group 2 enhancer GRCh37_chr4:114276560-114277759; plus strand). Cytogenetic location: 4q26.
Variant type: single nucleotide variant.
Coding change: c.7103A>G on transcript NM_001148.6 (MANE Select); coding-DNA position 7103, A replaced by G.
Protein change: p.Glu2368Gly; replaces glutamic acid 2368 with glycine.
Molecular consequence: missense variant. On other transcripts: intron variant (68).
Genome position (GRCh38, 1-based): chr4:113,355,721, A>G. VCF-style: chr4-113355721-A-G. GRCh37 (hg19) VCF-style: chr4-114276877-A-G.
Other names: c.4325-5102A>G (NM_001354236.2); c.4463-5102A>G (NM_001354232.2); c.4328-5102A>G (NM_001354228.2, NM_001354258.2); c.4127-5102A>G (NM_001354273.2); c.4427-5102A>G (NM_020977.5); c.4484-5102A>G (NM_001386152.1); c.4505-5102A>G (NM_001354237.2); c.4406-5102A>G (NM_001354230.2); and 35 more; short protein forms E2368G, E2290G, E2407G, E1168G, E2415G.
Identifiers: ClinVar variation 1497235 (VCV001497235.8), dbSNP rs2154024009, ClinGen allele CA357929426.

ClinVar aggregate classification (germline): Uncertain significance (1 of 4 stars; one submission).

Conditions:
Long QT syndrome (LQTS). Identifiers: MedGen C0023976, MeSH D008133, MONDO:0002442. Disease mechanism: loss of function. Inheritance: Various modes of inheritance.

Submission:

Labcorp Genetics (formerly Invitae), Labcorp
Classification: Uncertain significance for Long QT syndrome. Last evaluated: 2021-04-12. Review status: criteria provided, single submitter. Criteria: Invitae Variant Classification Sherloc (09022015). Collection method: clinical testing. Allele origin: germline.
Comment: In summary, the available evidence is currently insufficient to determine the role of this variant in disease. Therefore, it has been classified as a Variant of Uncertain Significance. Algorithms developed to predict the effect of missense changes on protein structure and function (SIFT, PolyPhen-2, Align-GVGD) all suggest that this variant is likely to be tolerated, but these predictions have not been confirmed by published functional studies and their clinical significance is uncertain. This variant has not been reported in the literature in individuals with ANK2-related conditions. This variant is not present in population databases (ExAC no frequency). This sequence change replaces glutamic acid with glycine at codon 2368 of the ANK2 protein (p.Glu2368Gly). The glutamic acid residue is weakly conserved and there is a moderate physicochemical difference between glutamic acid and glycine.